The following is an entry in ClinVar:

ClinVar aggregate classification (germline): Uncertain significance. Review status: criteria provided, multiple submitters, no conflicts (2 of 4 stars). 2 submissions from 2 submitters: Uncertain significance (2). Last evaluated 2026-06-04.

Conditions:
SRP54-related disorder. Also called: SRP54-related condition.

Submissions (2):

PreventionGenetics, part of Exact Sciences
Classification: Uncertain significance for SRP54-related condition. Last evaluated: 2026-06-04. Review status: criteria provided, single submitter. Criteria: ACMG Guidelines, 2015. Collection method: clinical testing. Allele origin: germline.
Comment: The SRP54 c.1002G>T variant is predicted to result in the amino acid substitution p.Glu334Asp. To our knowledge, this variant has not been reported in the literature or in a large population database (gnomAD), indicating this variant is rare. At this time, the clinical significance of this variant is uncertain due to the absence of conclusive functional and genetic evidence.

Labcorp Genetics (formerly Invitae), Labcorp
Classification: Uncertain significance. Last evaluated: 2025-03-27. Review status: criteria provided, single submitter. Criteria: Invitae Variant Classification Sherloc (09022015). Collection method: clinical testing. Allele origin: germline.
Comment: This sequence change replaces glutamic acid, which is acidic and polar, with aspartic acid, which is acidic and polar, at codon 334 of the SRP54 protein (p.Glu334Asp). This variant is not present in population databases (gnomAD no frequency). This variant has not been reported in the literature in individuals affected with SRP54-related conditions. ClinVar contains an entry for this variant (Variation ID: 2803309). Invitae Evidence Modeling of protein sequence and biophysical properties (such as structural, functional, and spatial information, amino acid conservation, physicochemical variation, residue mobility, and thermodynamic stability) indicates that this missense variant is not expected to disrupt SRP54 protein function with a negative predictive value of 80%. In summary, the available evidence is currently insufficient to determine the role of this variant in disease. Therefore, it has been classified as a Variant of Uncertain Significance.

NM_003136.4(SRP54):c.1002G>T (p.Glu334Asp)

Gene: SRP54 (signal recognition particle 54; plus strand). Cytogenetic location: 14q13.2.
Variant type: single nucleotide variant.
Coding change: c.1002G>T on transcript NM_003136.4 (MANE Select); coding-DNA position 1002, G replaced by T.
Protein change: p.Glu334Asp; replaces glutamic acid 334 with aspartic acid.
Molecular consequence: missense variant.
Genome position (GRCh38, 1-based): chr14:35,018,720, G>T. VCF-style: chr14-35018720-G-T. GRCh37 (hg19) VCF-style: chr14-35487926-G-T.
Other names: c.1002G>T (NM_003136.3); c.855G>T, p.Glu285Asp (NM_001146282.2); c.1002G>T, p.Glu334Asp (NM_001411017.1); short protein forms E334D, E285D.
Identifiers: ClinVar variation 2803309 (VCV002803309.4), dbSNP rs2044480013, ClinGen allele CA389446946.